The following is an entry in ClinVar:

ClinVar aggregate classification (germline): Uncertain significance (1 of 4 stars; one submission).

Submission:

Labcorp Genetics (formerly Invitae), Labcorp
Classification: Uncertain significance. Last evaluated: 2023-11-27. Review status: criteria provided, single submitter. Criteria: Invitae Variant Classification Sherloc (09022015). Collection method: clinical testing. Allele origin: germline.
Comment: This sequence change replaces threonine, which is neutral and polar, with isoleucine, which is neutral and non-polar, at codon 579 of the FRAS1 protein (p.Thr579Ile). This variant is not present in population databases (gnomAD no frequency). This variant has not been reported in the literature in individuals affected with FRAS1-related conditions. ClinVar contains an entry for this variant (Variation ID: 2096579). Algorithms developed to predict the effect of missense changes on protein structure and function output the following: SIFT: "Not Available"; PolyPhen-2: "Benign"; Align-GVGD: "Not Available". The isoleucine amino acid residue is found in multiple mammalian species, which suggests that this missense change does not adversely affect protein function. In summary, the available evidence is currently insufficient to determine the role of this variant in disease. Therefore, it has been classified as a Variant of Uncertain Significance.

NM_025074.7(FRAS1):c.1736C>T (p.Thr579Ile)

Gene: FRAS1 (Fraser extracellular matrix complex subunit 1; plus strand). Cytogenetic location: 4q21.21.
Variant type: single nucleotide variant.
Coding change: c.1736C>T on transcript NM_025074.7 (MANE Select); coding-DNA position 1736, C replaced by T.
Protein change: p.Thr579Ile; replaces threonine 579 with isoleucine.
Molecular consequence: missense variant.
Genome position (GRCh38, 1-based): chr4:78,315,651, C>T. VCF-style: chr4-78315651-C-T. GRCh37 (hg19) VCF-style: chr4-79236805-C-T.
Other names: c.1736C>T, p.Thr579Ile (NM_001166133.2); short protein forms T579I.
Identifiers: ClinVar variation 2096579 (VCV002096579.4), dbSNP rs2476762040, ClinGen allele CA357367916.